The following is an entry in ClinVar:

ClinVar aggregate classification (germline): Conflicting classifications of pathogenicity. Review status: criteria provided, conflicting classifications (1 of 4 stars). 5 submissions from 5 submitters: Pathogenic (1); Likely pathogenic (1); Uncertain significance (1). 2 of the submissions do not count toward it. Last evaluated 2026-01-10.

Conditions:
Colorectal cancer, susceptibility to, 12 (CRCS12). Also called: COLORECTAL CANCER, SUSCEPTIBILITY TO, ON CHROMOSOME 12q24. Identifiers: Orphanet 220460, MedGen C3554460, MONDO:0014038, OMIM 615083.
POLE-related disorder. Also called: POLE-related condition; POLE-related disorders.
Hereditary cancer-predisposing syndrome. Also called: Neoplastic Syndromes, Hereditary; Tumor predisposition; Hereditary neoplastic syndrome; Hereditary Cancer Syndrome. Identifiers: Orphanet 140162, MedGen C0027672, MeSH D009386, MONDO:0015356.

Allele frequency attached by ClinVar (database versions not stated): gnomAD 0.00001; gnomAD exomes below 0.00001 and 0.00001; TOPMed 0.00002.

Submissions (5):

Labcorp Genetics (formerly Invitae), Labcorp
Classification: Pathogenic. Last evaluated: 2026-01-10. Review status: criteria provided, single submitter. Criteria: Invitae Variant Classification Sherloc (09022015). Collection method: clinical testing. Allele origin: germline.
Comment: This sequence change creates a premature translational stop signal (p.Asp490Argfs*12) in the POLE gene. It is expected to result in an absent or disrupted protein product. Loss-of-function variants in POLE are known to be pathogenic (PMID: 23230001, 25948378, 30503519). This variant is present in population databases (no rsID available, gnomAD 0.009%). This variant has not been reported in the literature in individuals affected with POLE-related conditions. ClinVar contains an entry for this variant (Variation ID: 405645). For these reasons, this variant has been classified as Pathogenic.

Ambry Genetics
Classification: Uncertain significance for Hereditary cancer-predisposing syndrome. Last evaluated: 2026-01-09. Review status: criteria provided, single submitter. Criteria: Ambry Variant Classification Scheme 2023. Collection method: clinical testing. Allele origin: germline.
Comment: The c.1467_1468delCG variant, located in coding exon 14 of the POLE gene, results from a deletion of two nucleotides at nucleotide positions 1467 to 1468, causing a translational frameshift with a predicted alternate stop codon (p.D490Rfs*12). This alteration is expected to result in loss of function by premature protein truncation or nonsense-mediated mRNA decay. Although biallelic loss of function of POLE has been associated with autosomal recessive POLE deficiency, haploinsufficiency of POLE has not been established as a mechanism of disease for POLE-related polymerase proofreading-associated polyposis (PPAP) and POLE-related CMMRD-like syndrome. Based on the supporting evidence, this variant is expected to be causative of POLE deficiency when present along with a second pathogenic variant on the other allele; however, its clinical significance for PPAP and POLE-related CMMRD-like syndrome is unclear.

GeneDx
Classification: Likely pathogenic. Last evaluated: 2024-05-20. Review status: criteria provided, single submitter. Criteria: GeneDx Variant Classification Process June 2021. Collection method: clinical testing. Allele origin: germline. Affected: yes.
Comment: Frameshift variant predicted to result in protein truncation or nonsense mediated decay in a gene for which loss of function is a known mechanism of disease; Not observed at significant frequency in large population cohorts (gnomAD); Has not been previously published as pathogenic or benign to our knowledge

PreventionGenetics, part of Exact Sciences
Classification: Likely pathogenic for POLE-related condition. Last evaluated: 2024-02-13. Review status: no assertion criteria provided. Collection method: clinical testing. Allele origin: germline. Not counted in ClinVar's aggregate classification.
Comment: The POLE c.1467_1468delCG variant is predicted to result in a frameshift and premature protein termination (p.Asp490Argfs*12). To our knowledge, this variant has not been reported in the literature. This variant is reported in 0.0087% of alleles in individuals of Latino descent in gnomAD. Frameshift variants in POLE leading to loss of POLE protein function have been reported in individuals with autosomal recessive intrauterine growth retardation, metaphyseal dysplasia, adrenal hypoplasia congenita, genital anomalies, and immunodeficiency (IMAGe-I) syndrome (Pachlopnik Schmid et al. 2012. PubMed ID: 23230001; Thiffault et al. 2015. PubMed ID: 25948378; Long et al. 2018. PubMed ID: 30503519; Nakano et al. 2022. PubMed ID: 35534205). In ClinVar, this variant has conflicting interpretations from uncertain to pathogenic. This variant is interpreted as likely pathogenic for autosomal recessive IMAGe-I syndrome and as a variant of uncertain significance for autosomal dominant POLE-associated disorders.

Counsyl
Classification: Uncertain significance for Colorectal cancer, susceptibility to, 12. Last evaluated: 2017-10-19. Review status: no assertion criteria provided. Collection method: clinical testing. Allele origin: unknown. Not counted in ClinVar's aggregate classification.

Literature cited by the submitters: PubMed 23230001 (cited by Labcorp Genetics (formerly Invitae), Labcorp); PubMed 25948378 (cited by Labcorp Genetics (formerly Invitae), Labcorp); PubMed 30503519 (cited by Labcorp Genetics (formerly Invitae), Labcorp).

NM_006231.4(POLE):c.1467_1468del (p.Asp490fs)

Gene: POLE (DNA polymerase epsilon, catalytic subunit; minus strand). Cytogenetic location: 12q24.33.
Variant type: Deletion.
Coding change: c.1467_1468del on transcript NM_006231.4 (MANE Select); coding-DNA positions 1467 to 1468, 2 bases deleted (CG; older notation c.1467_1468delCG).
Protein change: p.Asp490fs; shifts the reading frame from aspartic acid 490.
Molecular consequence: frameshift variant.
Genome position (GRCh38, 1-based): chr12:132,673,169-132,673,170, CG deleted on the plus strand (CG on the coding strand, the reverse complement: POLE is on the minus strand). VCF-style (leftmost placement, unchanged base first): chr12-132673168-TCG-T. GRCh37 (hg19) VCF-style: chr12-133249754-TCG-T.
Other names: c.1467_1468delCG (NM_006231.3); c.1467_1468del (NM_006231.2).
Identifiers: ClinVar variation 405645 (VCV000405645.24), dbSNP rs1060500792, ClinGen allele CA16613890.
Genomic context (GRCh38, chr12:132,673,168, plus strand): 5'-TGGAATGGGGCAAGGGCTGAGGAGGCCAGGGTGCCGACAGGACAGATAATGCTCACCTCG[TCG>T]GGCTCCATGGGAATAATGGTGCACAGAGCAAAGATGAATGGGTGGACGTACTTCATGTAC-3'